The following is an entry in ClinVar:

ClinVar aggregate classification (germline): Pathogenic (1 of 4 stars; one submission).

Conditions:
Retinoblastoma (RB1). Also called: RETINOBLASTOMA, SOMATIC. Identifiers: Orphanet 790, MedGen C0035335, MeSH D012175, MONDO:0008380, OMIM 180200, HP:0009919. Disease mechanism: loss of function. Inheritance: Both sporadic and heritable forms are tested..

Submission:

St. Jude Molecular Pathology, St. Jude Children's Research Hospital
Classification: Pathogenic for Retinoblastoma. Last evaluated: 2023-08-31. Review status: criteria provided, single submitter. Criteria: St. Jude Assertion Criteria 2020. Collection method: clinical testing. Allele origin: germline. Affected: yes.
Comment: The RB1 c.43_80dup (p.Pro28LeufsTer50) change is a duplication of 38 nucleotides to cause a frameshift and the creation of a premature stop codon. This change is predicted to cause protein truncation or absence of protein due to nonsense-mediated decay. This variant is absent in gnomAD v2.1.1. In summary, this variant meets criteria to be classified as pathogenic.

NM_000321.3(RB1):c.43_80dup (p.Pro28fs)

Gene: RB1 (RB transcriptional corepressor 1; plus strand). Cytogenetic location: 13q14.2.
Variant type: Duplication.
Coding change: c.43_80dup on transcript NM_000321.3 (MANE Select); coding-DNA positions 43 to 80, 38 bases duplicated.
Protein change: p.Pro28fs; shifts the reading frame from proline 28.
Molecular consequence: frameshift variant.
Genome position (GRCh38, 1-based): chr13:48,303,955-48,303,992, 38 bases duplicated; duplicating any 38 consecutive bases within chr13:48,303,947-48,303,992 gives the same sequence; the c. name uses the placement nearest the transcript's 3' end. GRCh37 (hg19): chr13:48,878,091-48,878,128.
Other names: c.43_80dup, p.Pro28fs (NM_001407165.1, NM_001407166.1, NM_001407167.1); short protein forms P28fs.
Identifiers: ClinVar variation 2663974 (VCV002663974.1), dbSNP rs2138027218, ClinGen allele CA2695199743.